The following is an entry in ClinVar:

ClinVar aggregate classification (germline): Uncertain significance (1 of 4 stars; one submission).

Submission:

Labcorp Genetics (formerly Invitae), Labcorp
Classification: Uncertain significance. Last evaluated: 2022-06-23. Review status: criteria provided, single submitter. Criteria: Invitae Variant Classification Sherloc (09022015). Collection method: clinical testing. Allele origin: germline.
Comment: This sequence change replaces aspartic acid, which is acidic and polar, with glutamic acid, which is acidic and polar, at codon 854 of the ABCC8 protein (p.Asp854Glu). This variant is not present in population databases (gnomAD no frequency). This missense change has been observed in individual(s) with ABCC8-related conditions (PMID: 25201519). This variant is also known as D855E. Advanced modeling of protein sequence and biophysical properties (such as structural, functional, and spatial information, amino acid conservation, physicochemical variation, residue mobility, and thermodynamic stability) performed at Invitae indicates that this missense variant is not expected to disrupt ABCC8 protein function. In summary, the available evidence is currently insufficient to determine the role of this variant in disease. Therefore, it has been classified as a Variant of Uncertain Significance.

Literature cited by the submitters: PubMed 25201519.

NM_000352.6(ABCC8):c.2562C>A (p.Asp854Glu)

Gene: ABCC8 (ATP binding cassette subfamily C member 8; minus strand). Cytogenetic location: 11p15.1.
Variant type: single nucleotide variant.
Coding change: c.2562C>A on transcript NM_000352.6 (MANE Select); coding-DNA position 2562, C replaced by A.
Protein change: p.Asp854Glu; replaces aspartic acid 854 with glutamic acid.
Molecular consequence: missense variant. On other transcripts: non-coding transcript variant (1).
Genome position (GRCh38, 1-based): chr11:17,410,648, G>T on the plus strand (C>A on the coding strand, the complement: ABCC8 is on the minus strand). VCF-style: chr11-17410648-G-T. GRCh37 (hg19) VCF-style: chr11-17432195-G-T.
Other names: c.2565C>A, p.Asp855Glu (NM_001287174.3); c.2628C>A, p.Asp876Glu (NM_001351295.2); c.2562C>A, p.Asp854Glu (NM_001351296.2); c.2559C>A, p.Asp853Glu (NM_001351297.2); short protein forms D853E, D854E, D855E, D876E.
Identifiers: ClinVar variation 2137014 (VCV002137014.1), dbSNP rs2496558520, ClinGen allele CA379806718.